The following is an entry in ClinVar:

ClinVar aggregate classification (germline): Uncertain significance (1 of 4 stars; one submission).

Conditions:
Cardiovascular phenotype. Identifiers: MedGen CN230736.

Submission:

Ambry Genetics
Classification: Uncertain significance for Cardiovascular phenotype. Last evaluated: 2025-03-04. Review status: criteria provided, single submitter. Criteria: Ambry Variant Classification Scheme 2023. Collection method: clinical testing. Allele origin: germline.
Comment: The p.P860S variant (also known as c.2578C>T), located in coding exon 19 of the LAMA4 gene, results from a C to T substitution at nucleotide position 2578. The proline at codon 860 is replaced by serine, an amino acid with similar properties. This amino acid position is conserved. In addition, this alteration is predicted to be tolerated by in silico analysis. Based on the available evidence, the clinical significance of this variant remains unclear.

NM_001105206.3(LAMA4):c.2599C>T (p.Pro867Ser)

Gene: LAMA4 (laminin subunit alpha 4; minus strand). Cytogenetic location: 6q21.
Variant type: single nucleotide variant.
Coding change: c.2599C>T on transcript NM_001105206.3 (MANE Select); coding-DNA position 2599, C replaced by T.
Protein change: p.Pro867Ser; replaces proline 867 with serine.
Molecular consequence: missense variant.
Genome position (GRCh38, 1-based): chr6:112,142,187, G>A on the plus strand (C>T on the coding strand, the complement: LAMA4 is on the minus strand). VCF-style: chr6-112142187-G-A. GRCh37 (hg19) VCF-style: chr6-112463389-G-A.
Other names: c.2578C>T, p.Pro860Ser (NM_001105207.3, NM_002290.5); short protein forms P860S, P867S.
Identifiers: ClinVar variation 3117484 (VCV003117484.2), dbSNP rs782162498, ClinGen allele CA365381775.